The following is an entry in ClinVar:

NM_020975.6(RET):c.2534C>T (p.Ala845Val)

Gene: RET (ret proto-oncogene; plus strand). Cytogenetic location: 10q11.21.
Variant type: single nucleotide variant.
Coding change: c.2534C>T on transcript NM_020975.6 (MANE Select); coding-DNA position 2534, C replaced by T.
Protein change: p.Ala845Val; replaces alanine 845 with valine.
Molecular consequence: missense variant.
Genome position (GRCh38, 1-based): chr10:43,119,672, C>T. VCF-style: chr10-43119672-C-T. GRCh37 (hg19) VCF-style: chr10-43615120-C-T.
Other names: c.2246C>T, p.Ala749Val (NM_001406770.1, NM_001406767.1, NM_001406766.1); c.2096C>T, p.Ala699Val (NM_001406771.1, NM_001406773.1); c.2138C>T, p.Ala713Val (NM_001406772.1, NM_001406769.1); c.2534C>T, p.Ala845Val (NM_000323.2, NM_001406743.1, NM_001406744.1 and 4 more transcripts); c.1772C>T, p.Ala591Val (NM_001355216.2); c.2009C>T, p.Ala670Val (NM_001406774.1); c.1808C>T, p.Ala603Val (NM_001406775.1, NM_001406776.1, NM_001406777.1 and 1 more transcripts); c.1637C>T, p.Ala546Val (NM_001406779.1, NM_001406780.1, NM_001406781.1 and 1 more transcripts); and 10 more; short protein forms A362V, A591V, A749V, A800V, A501V, A503V, A699V, A757V.
Identifiers: ClinVar variation 2140620 (VCV002140620.6), dbSNP rs1588877322, ClinGen allele CA376556484.

ClinVar aggregate classification (germline): Uncertain significance. Review status: criteria provided, multiple submitters, no conflicts (2 of 4 stars). 2 submissions from 2 submitters: Uncertain significance (2). Last evaluated 2025-05-18.

Conditions:
Multiple endocrine neoplasia, type 2 (MEN2). Identifiers: Orphanet 653, MedGen C4048306, MONDO:0019003. Disease mechanism: gain of function.
Hereditary cancer-predisposing syndrome. Also called: Neoplastic Syndromes, Hereditary; Hereditary Cancer Syndrome; Tumor predisposition; Hereditary neoplastic syndrome. Identifiers: Orphanet 140162, MedGen C0027672, MeSH D009386, MONDO:0015356.

Allele frequency attached by ClinVar (database versions not stated): gnomAD exomes below 0.00001.
gnomAD v4.1: 1 of 1,613,430 alleles (0.000062%); highest among the groups gnomAD compares: African/African-American, 0.0013%; no homozygotes.

Submissions (2):

Labcorp Genetics (formerly Invitae), Labcorp
Classification: Uncertain significance for Multiple endocrine neoplasia, type 2. Last evaluated: 2025-05-18. Review status: criteria provided, single submitter. Criteria: Invitae Variant Classification Sherloc (09022015). Collection method: clinical testing. Allele origin: germline.
Comment: This sequence change replaces alanine, which is neutral and non-polar, with valine, which is neutral and non-polar, at codon 845 of the RET protein (p.Ala845Val). This variant is not present in population databases (gnomAD no frequency). This variant has not been reported in the literature in individuals affected with RET-related conditions. ClinVar contains an entry for this variant (Variation ID: 2140620). An algorithm developed to predict the effect of missense changes on protein structure and function outputs the following: PolyPhen-2: "Benign". The valine amino acid residue is found in multiple mammalian species, which suggests that this missense change does not adversely affect protein function. In summary, the available evidence is currently insufficient to determine the role of this variant in disease. Therefore, it has been classified as a Variant of Uncertain Significance.

Ambry Genetics
Classification: Uncertain significance for Hereditary cancer-predisposing syndrome. Last evaluated: 2023-05-04. Review status: criteria provided, single submitter. Criteria: Ambry Variant Classification Scheme 2023. Collection method: clinical testing. Allele origin: germline.
Comment: The p.A845V variant (also known as c.2534C>T), located in coding exon 14 of the RET gene, results from a C to T substitution at nucleotide position 2534. The alanine at codon 845 is replaced by valine, an amino acid with similar properties. This amino acid position is highly conserved in available vertebrate species. In addition, this alteration is predicted to be tolerated by in silico analysis. Since supporting evidence is limited at this time, the clinical significance of this alteration remains unclear.